The following is an entry in ClinVar:

ClinVar aggregate classification (germline): Uncertain significance (1 of 4 stars; one submission).

gnomAD v4.1: 3 of 1,210,579 alleles (0.00025%); highest among the groups gnomAD compares: Non-Finnish European, 0.00034%; no homozygotes.

Submission:

GeneDx
Classification: Uncertain significance. Last evaluated: 2025-02-23. Review status: criteria provided, single submitter. Criteria: GeneDx Variant Classification Process June 2021. Collection method: clinical testing. Allele origin: germline. Affected: yes.
Comment: Not observed at significant frequency in large population cohorts (gnomAD); In silico analysis indicates that this missense variant does not alter protein structure/function; Has not been previously published as pathogenic or benign to our knowledge

NM_001008537.3(NEXMIF):c.4367C>A (p.Ala1456Asp)

Gene: NEXMIF (neurite extension and migration factor; minus strand). Cytogenetic location: Xq13.3.
Variant type: single nucleotide variant.
Coding change: c.4367C>A on transcript NM_001008537.3 (MANE Select); coding-DNA position 4367, C replaced by A.
Protein change: p.Ala1456Asp; replaces alanine 1456 with aspartic acid.
Molecular consequence: missense variant.
Genome position (GRCh38, 1-based): chrX:74,740,190, G>T on the plus strand (C>A on the coding strand, the complement: NEXMIF is on the minus strand). VCF-style: chrX-74740190-G-T. GRCh37 (hg19) VCF-style: chrX-73960025-G-T.
Other names: short protein forms A1456D.
Identifiers: ClinVar variation 3372551 (VCV003372551.2).